The following is an entry in ClinVar:

NM_032119.4(ADGRV1):c.11536A>G (p.Lys3846Glu)

Gene: ADGRV1 (adhesion G protein-coupled receptor V1; plus strand). Cytogenetic location: 5q14.3.
Variant type: single nucleotide variant.
Coding change: c.11536A>G on transcript NM_032119.4 (MANE Select); coding-DNA position 11536, A replaced by G.
Protein change: p.Lys3846Glu; replaces lysine 3846 with glutamic acid.
Molecular consequence: missense variant. On other transcripts: non-coding transcript variant (1).
Genome position (GRCh38, 1-based): chr5:90,755,141, A>G. VCF-style: chr5-90755141-A-G. GRCh37 (hg19) VCF-style: chr5-90050958-A-G.
Other names: short protein forms K3846E.
Identifiers: ClinVar variation 1713524 (VCV001713524.5), dbSNP rs1371174023, ClinGen allele CA360367148.
Genomic context (GRCh38, chr5:90,755,141, plus strand): 5'-GTCGATAATCAAGCTACTGAGAATGAAGATTATGTATTGCAAGAAACAATAATAATAATG[A>G]AAGAAAACATAAAAGAAGCTCATGCCGAAGTTTCCATTTTGCCGGTAAGTCAAGGCTGCA-3'
Protein context (NP_115495.3, residues 3836-3856): YVLQETIIIM[Lys3846Glu]ENIKEAHAEV

ClinVar aggregate classification (germline): Uncertain significance (1 of 4 stars; one submission).

Allele frequency attached by ClinVar (database versions not stated): gnomAD exomes below 0.00001; gnomAD 0.00001; TOPMed 0.00001.
gnomAD v4.1: 2 of 1,610,172 alleles (0.00012%); highest among the groups gnomAD compares: Non-Finnish European, 0.00017%; no homozygotes.

Submission:

Labcorp Genetics (formerly Invitae), Labcorp
Classification: Uncertain significance. Last evaluated: 2022-10-13. Review status: criteria provided, single submitter. Criteria: Invitae Variant Classification Sherloc (09022015). Collection method: clinical testing. Allele origin: germline.
Comment: This variant is not present in population databases (gnomAD no frequency). In summary, the available evidence is currently insufficient to determine the role of this variant in disease. Therefore, it has been classified as a Variant of Uncertain Significance. Advanced modeling of protein sequence and biophysical properties (such as structural, functional, and spatial information, amino acid conservation, physicochemical variation, residue mobility, and thermodynamic stability) performed at Invitae indicates that this missense variant is not expected to disrupt ADGRV1 protein function. This variant has not been reported in the literature in individuals affected with ADGRV1-related conditions. This sequence change replaces lysine, which is basic and polar, with glutamic acid, which is acidic and polar, at codon 3846 of the ADGRV1 protein (p.Lys3846Glu).